The following is an entry in ClinVar:

ClinVar aggregate classification (germline): Uncertain significance. Review status: criteria provided, multiple submitters, no conflicts (2 of 4 stars). 4 submissions from 4 submitters: Uncertain significance (3). 1 of the submissions does not count toward it. Last evaluated 2025-12-31.

Conditions:
Hereditary cancer-predisposing syndrome. Also called: Hereditary Cancer Syndrome; Neoplastic Syndromes, Hereditary; Hereditary neoplastic syndrome; Tumor predisposition. Identifiers: Orphanet 140162, MedGen C0027672, MeSH D009386, MONDO:0015356.
Fumarase deficiency (FMRD). Also called: Fumarate Hydratase Deficiency; Fumaric aciduria. Identifiers: Orphanet 24, MedGen C0342770, MONDO:0011730, OMIM 606812.

Allele frequency attached by ClinVar (database versions not stated): gnomAD exomes below 0.00001; gnomAD 0.00001; TOPMed 0.00001.
gnomAD v4.1: 3 of 1,613,954 alleles (0.00019%); highest among the groups gnomAD compares: African/African-American, 0.0027%; no homozygotes.

Submissions (4):

Labcorp Genetics (formerly Invitae), Labcorp
Classification: Uncertain significance. Last evaluated: 2025-12-31. Review status: criteria provided, single submitter. Criteria: Invitae Variant Classification Sherloc (09022015). Collection method: clinical testing. Allele origin: germline.
Comment: This sequence change replaces isoleucine, which is neutral and non-polar, with methionine, which is neutral and non-polar, at codon 98 of the FH protein (p.Ile98Met). This variant is not present in population databases (gnomAD no frequency). This variant has not been reported in the literature in individuals affected with FH-related conditions. ClinVar contains an entry for this variant (Variation ID: 822345). Invitae Evidence Modeling of protein sequence and biophysical properties (such as structural, functional, and spatial information, amino acid conservation, physicochemical variation, residue mobility, and thermodynamic stability) has been performed for this missense variant. However, the output from this modeling did not meet the statistical confidence thresholds required to predict the impact of this variant on FH protein function. In summary, the available evidence is currently insufficient to determine the role of this variant in disease. Therefore, it has been classified as a Variant of Uncertain Significance.

Ambry Genetics
Classification: Uncertain significance for Hereditary cancer-predisposing syndrome. Last evaluated: 2024-11-28. Review status: criteria provided, single submitter. Criteria: Ambry Variant Classification Scheme 2023. Collection method: clinical testing. Allele origin: germline.
Comment: The p.I98M variant (also known as c.294C>G), located in coding exon 3 of the FH gene, results from a C to G substitution at nucleotide position 294. The isoleucine at codon 98 is replaced by methionine, an amino acid with highly similar properties. This amino acid position is well conserved in available vertebrate species. In addition, the in silico prediction for this alteration is inconclusive. Since supporting evidence is limited at this time, the clinical significance of this alteration remains unclear.

GeneDx
Classification: Uncertain significance. Last evaluated: 2024-04-05. Review status: criteria provided, single submitter. Criteria: GeneDx Variant Classification Process June 2021. Collection method: clinical testing. Allele origin: germline. Affected: yes.
Comment: Not observed at significant frequency in large population cohorts (gnomAD); In silico analysis indicates that this missense variant does not alter protein structure/function; Has not been previously published as pathogenic or benign to our knowledge

Natera, Inc.
Classification: Uncertain significance for Fumarase deficiency. Last evaluated: 2020-09-16. Review status: no assertion criteria provided. Collection method: clinical testing. Allele origin: germline. Not counted in ClinVar's aggregate classification.

NM_000143.4(FH):c.294C>G (p.Ile98Met)

Gene: FH (fumarate hydratase; minus strand). Cytogenetic location: 1q43.
Variant type: single nucleotide variant.
Coding change: c.294C>G on transcript NM_000143.4 (MANE Select); coding-DNA position 294, C replaced by G.
Protein change: p.Ile98Met; replaces isoleucine 98 with methionine.
Molecular consequence: missense variant.
Genome position (GRCh38, 1-based): chr1:241,513,687, G>C on the plus strand (C>G on the coding strand, the complement: FH is on the minus strand). VCF-style: chr1-241513687-G-C. GRCh37 (hg19) VCF-style: chr1-241676987-G-C.
Other names: short protein forms I98M.
Identifiers: ClinVar variation 822345 (VCV000822345.16), dbSNP rs1573886484, ClinGen allele CA345440957.
Genomic context (GRCh38, chr1:241,513,687, plus strand): 5'-ATTAGCAATCTTTGGATCAAGACCATAATCCTGGTTTACTTCAGCGGCCGCTCGCTTCAA[G>C]ATGCCAAAAGCTTTAATAACTGGGGTCTAAAATTAATCAGAAAAATATTTCAAATTTACA-3'
Protein context (NP_000134.2, residues 88-108): MPTPVIKAFG[Ile98Met]LKRAAAEVNQ